The following is an entry in ClinVar:

ClinVar aggregate classification (germline): Pathogenic (1 of 4 stars; one submission).

Submission:

Labcorp Genetics (formerly Invitae), Labcorp
Classification: Pathogenic. Last evaluated: 2021-08-11. Review status: criteria provided, single submitter. Criteria: Invitae Variant Classification Sherloc (09022015). Collection method: clinical testing. Allele origin: germline.
Comment: This sequence change affects an acceptor splice site in intron 8 of the PHEX gene. It is expected to disrupt RNA splicing. Variants that disrupt the donor or acceptor splice site typically lead to a loss of protein function (PMID: 16199547), and loss-of-function variants in PHEX are known to be pathogenic (PMID: 9097956, 9106524, 19219621). This variant is not present in population databases (ExAC no frequency). Disruption of this splice site has been observed in individuals with X-linked hypophosphatemic rickets (PMID: 24926462; Invitae). Algorithms developed to predict the effect of sequence changes on RNA splicing suggest that this variant may disrupt the consensus splice site. For these reasons, this variant has been classified as Pathogenic.

Literature cited by the submitters: PubMed 16199547; PubMed 9097956; PubMed 9106524; PubMed 19219621; PubMed 24926462.

NM_000444.6(PHEX):c.934-1G>A

Gene: PHEX (phosphate regulating endopeptidase X-linked; plus strand). Cytogenetic location: Xp22.11.
Variant type: single nucleotide variant.
Coding change: c.934-1G>A on transcript NM_000444.6 (MANE Select); the canonical splice acceptor site of the intron before coding-DNA position 934, G replaced by A.
Molecular consequence: splice acceptor variant.
Genome position (GRCh38, 1-based): chrX:22,099,005, G>A. VCF-style: chrX-22099005-G-A. GRCh37 (hg19) VCF-style: chrX-22117123-G-A.
Other names: c.934-1G>A (NM_001282754.2).
Identifiers: ClinVar variation 1451502 (VCV001451502.6), dbSNP rs1602292528, ClinGen allele CA412572728.